The following is an entry in ClinVar:

NM_025137.4(SPG11):c.1248G>T (p.Met416Ile)

Gene: SPG11 (SPG11 vesicle trafficking associated, spatacsin; minus strand). Cytogenetic location: 15q21.1.
Variant type: single nucleotide variant.
Coding change: c.1248G>T on transcript NM_025137.4 (MANE Select); coding-DNA position 1248, G replaced by T.
Protein change: p.Met416Ile; replaces methionine 416 with isoleucine.
Molecular consequence: missense variant.
Genome position (GRCh38, 1-based): chr15:44,651,699, C>A on the plus strand (G>T on the coding strand, the complement: SPG11 is on the minus strand). VCF-style: chr15-44651699-C-A. GRCh37 (hg19) VCF-style: chr15-44943897-C-A.
Other names: c.1248G>T, p.Met416Ile (NM_001160227.2); short protein forms M416I.
Identifiers: ClinVar variation 241589 (VCV000241589.40), dbSNP rs371310453, ClinGen allele CA7535587.

ClinVar aggregate classification (germline): Uncertain significance. Review status: criteria provided, multiple submitters, no conflicts (2 of 4 stars). 4 submissions from 4 submitters: Uncertain significance (4). Last evaluated 2025-10-02.

Conditions:
Inborn genetic diseases. Identifiers: MedGen C0950123, MeSH D030342.
Hereditary spastic paraplegia 11. Also called: SPASTIC PARAPLEGIA, AUTOSOMAL RECESSIVE, COMPLICATED, WITH THIN CORPUS CALLOSUM; SPASTIC PARAPLEGIA, AUTOSOMAL RECESSIVE, WITH MENTAL IMPAIRMENT AND THIN CORPUS CALLOSUM; Spastic Paraplegia 11; Nakamura Osame syndrome; Autosomal recessive hereditary spastic paraplegia, mental impairment, and thin corpus callosum; Spastic paraplegia, mental retardation and thin corpus callosum. Identifiers: Orphanet 2822, MedGen C1858479, MONDO:0011445, OMIM 604360.

Allele frequency attached by ClinVar (database versions not stated): gnomAD 0.00003 and 0.00004; TOPMed 0.00003; ExAC 0.00005; gnomAD exomes 0.00005 and 0.00007; ESP Exome Variant Server 0.00008.
gnomAD v4.1: 99 of 1,614,094 alleles (0.0061%); highest among the groups gnomAD compares: Non-Finnish European, 0.0081%; no homozygotes.

Submissions (4):

Labcorp Genetics (formerly Invitae), Labcorp
Classification: Uncertain significance for Hereditary spastic paraplegia 11. Last evaluated: 2025-10-02. Review status: criteria provided, single submitter. Criteria: Invitae Variant Classification Sherloc (09022015). Collection method: clinical testing. Allele origin: germline.
Comment: This sequence change replaces methionine, which is neutral and non-polar, with isoleucine, which is neutral and non-polar, at codon 416 of the SPG11 protein (p.Met416Ile). This variant is present in population databases (rs371310453, gnomAD 0.008%). This variant has not been reported in the literature in individuals affected with SPG11-related conditions. ClinVar contains an entry for this variant (Variation ID: 241589). Invitae Evidence Modeling of protein sequence and biophysical properties (such as structural, functional, and spatial information, amino acid conservation, physicochemical variation, residue mobility, and thermodynamic stability) indicates that this missense variant is not expected to disrupt SPG11 protein function with a negative predictive value of 80%. In summary, the available evidence is currently insufficient to determine the role of this variant in disease. Therefore, it has been classified as a Variant of Uncertain Significance.

Ambry Genetics
Classification: Uncertain significance for Inborn genetic diseases. Last evaluated: 2025-08-31. Review status: criteria provided, single submitter. Criteria: Ambry Variant Classification Scheme 2023. Collection method: clinical testing. Allele origin: germline.

Athena Diagnostics
Classification: Uncertain significance. Last evaluated: 2023-10-02. Review status: criteria provided, single submitter. Criteria: Athena Diagnostics Criteria. Collection method: clinical testing. Allele origin: unknown.
Comment: Available data are insufficient to determine the clinical significance of the variant at this time. The frequency of this variant in the general population is uninformative in assessment of its pathogenicity. Computational tools predict that this variant is not damaging.

CeGaT Center for Human Genetics Tuebingen
Classification: Uncertain significance. Last evaluated: 2023-10-01. Review status: criteria provided, single submitter. Criteria: CeGaT Center For Human Genetics Tuebingen Variant Classification Criteria Version 2. Collection method: clinical testing. Allele origin: germline. Affected: yes. Observed: 2 variant alleles.
Comment: SPG11: PM2, BP1, BP4